The following is an entry in ClinVar:

NM_004656.4(BAP1):c.1156G>A (p.Val386Ile)

Gene: BAP1 (BRCA1 associated deubiquitinase 1; minus strand). Cytogenetic location: 3p21.1.
Variant type: single nucleotide variant.
Coding change: c.1156G>A on transcript NM_004656.4 (MANE Select); coding-DNA position 1156, G replaced by A.
Protein change: p.Val386Ile; replaces valine 386 with isoleucine.
Molecular consequence: missense variant.
Genome position (GRCh38, 1-based): chr3:52,404,547, C>T on the plus strand (G>A on the coding strand, the complement: BAP1 is on the minus strand). VCF-style: chr3-52404547-C-T. GRCh37 (hg19) VCF-style: chr3-52438563-C-T.
Other names: short protein forms V386I.
Identifiers: ClinVar variation 579323 (VCV000579323.14), dbSNP rs372213315, ClinGen allele CA74741463.

ClinVar aggregate classification (germline): Conflicting classifications of pathogenicity. Review status: criteria provided, conflicting classifications (1 of 4 stars). 4 submissions from 4 submitters: Uncertain significance (3); Likely benign (1). Last evaluated 2025-04-23.

Conditions:
Hereditary cancer-predisposing syndrome. Also called: Neoplastic Syndromes, Hereditary; Tumor predisposition; Hereditary neoplastic syndrome; Hereditary Cancer Syndrome. Identifiers: Orphanet 140162, MedGen C0027672, MeSH D009386, MONDO:0015356.
BAP1-related tumor predisposition syndrome (TPDS1). Also called: BAP1 tumor predisposition syndrome; TUMOR PREDISPOSITION SYNDROME 1; Tumor susceptibility linked to germline BAP1 mutations; COMMON Syndrome. Identifiers: Orphanet 289539, MedGen C3280492, MONDO:0013692, OMIM 614327.

Allele frequency attached by ClinVar (database versions not stated): gnomAD exomes below 0.00001; gnomAD 0.00001; TOPMed 0.00002; ESP Exome Variant Server 0.00008.
gnomAD v4.1: 3 of 1,613,810 alleles (0.00019%); highest among the groups gnomAD compares: African/African-American, 0.0027%; no homozygotes.

Submissions (4):

Labcorp Genetics (formerly Invitae), Labcorp
Classification: Uncertain significance for BAP1-related tumor predisposition syndrome. Last evaluated: 2025-04-23. Review status: criteria provided, single submitter. Criteria: Invitae Variant Classification Sherloc (09022015). Collection method: clinical testing. Allele origin: germline.
Comment: This sequence change replaces valine, which is neutral and non-polar, with isoleucine, which is neutral and non-polar, at codon 386 of the BAP1 protein (p.Val386Ile). This variant is not present in population databases (gnomAD no frequency). This variant has not been reported in the literature in individuals affected with BAP1-related conditions. ClinVar contains an entry for this variant (Variation ID: 579323). Invitae Evidence Modeling of protein sequence and biophysical properties (such as structural, functional, and spatial information, amino acid conservation, physicochemical variation, residue mobility, and thermodynamic stability) indicates that this missense variant is not expected to disrupt BAP1 protein function with a negative predictive value of 80%. In summary, the available evidence is currently insufficient to determine the role of this variant in disease. Therefore, it has been classified as a Variant of Uncertain Significance.

Ambry Genetics
Classification: Likely benign for Hereditary cancer-predisposing syndrome. Last evaluated: 2024-09-27. Review status: criteria provided, single submitter. Criteria: Ambry Variant Classification Scheme 2023. Collection method: clinical testing. Allele origin: germline.

Color Diagnostics, LLC DBA Color Health
Classification: Uncertain significance for Hereditary cancer-predisposing syndrome. Last evaluated: 2024-03-06. Review status: criteria provided, single submitter. Criteria: ACMG Guidelines, 2015. Collection method: clinical testing. Allele origin: germline.
Comment: This missense variant replaces valine with isoleucine at codon 386 of the BAP1 protein. Computational prediction suggests that this variant may not impact protein structure and function (internally defined REVEL score threshold <= 0.5, PMID: 27666373). Splice site prediction tools suggest that this variant may not impact RNA splicing. To our knowledge, functional studies have not been performed for this variant. This variant has not been reported in individuals affected with hereditary cancer in the literature. This variant has not been identified in the general population by the Genome Aggregation Database (gnomAD). The available evidence is insufficient to determine the role of this variant in disease conclusively. Therefore, this variant is classified as a Variant of Uncertain Significance.

Baylor Genetics
Classification: Uncertain significance for BAP1-related tumor predisposition syndrome. Last evaluated: 2024-01-17. Review status: criteria provided, single submitter. Criteria: ACMG Guidelines, 2015. Collection method: clinical testing. Allele origin: unknown.